The following is an entry in ClinVar:

NM_003995.4(NPR2):c.1948T>G (p.Cys650Gly)

Gene: NPR2 (natriuretic peptide receptor 2; plus strand). Cytogenetic location: 9p13.3.
Variant type: single nucleotide variant.
Coding change: c.1948T>G on transcript NM_003995.4 (MANE Select); coding-DNA position 1948, T replaced by G.
Protein change: p.Cys650Gly; replaces cysteine 650 with glycine.
Molecular consequence: missense variant.
Genome position (GRCh38, 1-based): chr9:35,805,571, T>G. VCF-style: chr9-35805571-T-G. GRCh37 (hg19) VCF-style: chr9-35805568-T-G.
Other names: c.1957T>G, p.Cys653Gly (NM_001378923.1); short protein forms C650G, C653G.
Identifiers: ClinVar variation 1051689 (VCV001051689.10), dbSNP rs2132089545, ClinGen allele CA373376467.

ClinVar aggregate classification (germline): Uncertain significance. Review status: criteria provided, multiple submitters, no conflicts (2 of 4 stars). 2 submissions from 2 submitters: Uncertain significance (2). Last evaluated 2026-01-20.

Conditions:
Tall stature-scoliosis-macrodactyly of the great toes syndrome. Also called: Epiphyseal chondrodysplasia, miura type. Identifiers: Orphanet 329191, MedGen C4014690, MONDO:0014401, OMIM 615923.
Acromesomelic dysplasia 1, Maroteaux type (AMD1). Also called: ACROMESOMELIC DYSPLASIA 1; ST. HELENA DYSPLASIA. Identifiers: Orphanet 40, MedGen C1864356, MONDO:0011275, OMIM 602875.

Submissions (2):

Women's Health and Genetics/Laboratory Corporation of America, LabCorp
Classification: Uncertain significance. Last evaluated: 2026-01-20. Review status: criteria provided, single submitter. Criteria: LabCorp Variant Classification Summary - May 2015. Collection method: clinical testing. Allele origin: germline.
Comment: Variant summary: NPR2 c.1948T>G (p.Cys650Gly) results in a non-conservative amino acid change in the encoded protein sequence. Algorithms developed to predict the effect of missense changes on protein structure and function all suggest that this variant is likely to be disruptive. The frequency data for this variant in gnomAD is considered unreliable, as metrics indicate poor data quality at this position. To our knowledge, no occurrence of c.1948T>G in individuals affected with NPR2-related conditions and no experimental evidence demonstrating its impact on protein function have been reported. ClinVar contains an entry for this variant (Variation ID: 1051689). Based on the evidence outlined above, the variant was classified as uncertain significance.

Labcorp Genetics (formerly Invitae), Labcorp
Classification: Uncertain significance for Tall stature-scoliosis-macrodactyly of the great toes syndrome; Acromesomelic dysplasia 1, Maroteaux type. Last evaluated: 2024-07-08. Review status: criteria provided, single submitter. Criteria: Invitae Variant Classification Sherloc (09022015). Collection method: clinical testing. Allele origin: germline.
Comment: This sequence change replaces cysteine, which is neutral and slightly polar, with glycine, which is neutral and non-polar, at codon 650 of the NPR2 protein (p.Cys650Gly). This variant is not present in population databases (gnomAD no frequency). This variant has not been reported in the literature in individuals affected with NPR2-related conditions. ClinVar contains an entry for this variant (Variation ID: 1051689). Advanced modeling of protein sequence and biophysical properties (such as structural, functional, and spatial information, amino acid conservation, physicochemical variation, residue mobility, and thermodynamic stability) performed at Invitae indicates that this missense variant is expected to disrupt NPR2 protein function with a positive predictive value of 80%. In summary, the available evidence is currently insufficient to determine the role of this variant in disease. Therefore, it has been classified as a Variant of Uncertain Significance.